The following is an entry in ClinVar:

ClinVar aggregate classification (germline): Likely pathogenic (1 of 4 stars; one submission).

Conditions:
Long QT syndrome (LQTS). Identifiers: MedGen C0023976, MeSH D008133, MONDO:0002442. Disease mechanism: loss of function. Inheritance: Various modes of inheritance.

Submission:

Labcorp Genetics (formerly Invitae), Labcorp
Classification: Likely pathogenic for Long QT syndrome. Last evaluated: 2020-12-16. Review status: criteria provided, single submitter. Criteria: Invitae Variant Classification Sherloc (09022015). Collection method: clinical testing. Allele origin: germline.
Comment: In summary, the currently available evidence indicates that the variant is pathogenic, but additional data are needed to prove that conclusively. Therefore, this variant has been classified as Likely Pathogenic. Algorithms developed to predict the effect of missense changes on protein structure and function are either unavailable or do not agree on the potential impact of this missense change (SIFT: "Deleterious"; PolyPhen-2: "Probably Damaging"; Align-GVGD: "Class C15"). This variant has been observed in individual(s) with clinical features of KCNH2-related conditions (Invitae). In at least one individual the variant was observed to be de novo. This variant is not present in population databases (ExAC no frequency). This sequence change replaces alanine with aspartic acid at codon 430 of the KCNH2 protein (p.Ala430Asp). The alanine residue is highly conserved and there is a moderate physicochemical difference between alanine and aspartic acid.

NM_000238.4(KCNH2):c.1289C>A (p.Ala430Asp)

Gene: KCNH2 (potassium voltage-gated channel subfamily H member 2; minus strand). Cytogenetic location: 7q36.1.
Variant type: single nucleotide variant.
Coding change: c.1289C>A on transcript NM_000238.4 (MANE Select); coding-DNA position 1289, C replaced by A.
Protein change: p.Ala430Asp; replaces alanine 430 with aspartic acid.
Molecular consequence: missense variant.
Genome position (GRCh38, 1-based): chr7:150,952,693, G>T on the plus strand (C>A on the coding strand, the complement: KCNH2 is on the minus strand). VCF-style: chr7-150952693-G-T. GRCh37 (hg19) VCF-style: chr7-150649781-G-T.
Other names: c.269C>A, p.Ala90Asp (NM_001204798.2, NM_172057.3); c.1001C>A, p.Ala334Asp (NM_001406753.1, NM_001406756.1); c.1112C>A, p.Ala371Asp (NM_001406755.1); c.989C>A, p.Ala330Asp (NM_001406757.1); c.1289C>A, p.Ala430Asp (NM_172056.3); short protein forms A430D, A90D, A371D, A330D, A334D.
Identifiers: ClinVar variation 1467197 (VCV001467197.9), dbSNP rs2116971776, ClinGen allele CA369860057.